The following is an entry in ClinVar:

NM_001098816.3(TENM4):c.6847C>T (p.Arg2283Trp)

Gene: TENM4 (teneurin transmembrane protein 4; minus strand). Cytogenetic location: 11q14.1.
Variant type: single nucleotide variant.
Coding change: c.6847C>T on transcript NM_001098816.3 (MANE Select); coding-DNA position 6847, C replaced by T.
Protein change: p.Arg2283Trp; replaces arginine 2283 with tryptophan.
Molecular consequence: missense variant.
Genome position (GRCh38, 1-based): chr11:78,669,498, G>A on the plus strand (C>T on the coding strand, the complement: TENM4 is on the minus strand). VCF-style: chr11-78669498-G-A. GRCh37 (hg19) VCF-style: chr11-78380543-G-A.
Other names: short protein forms R2283W.
Identifiers: ClinVar variation 4989117 (VCV004989117.1).
Genomic context (GRCh38, chr11:78,669,498, plus strand): 5'-TGCTGGACACGCGCCGCCCCAGGCCATCGTAGCGGTACCTGACACTCCAGCTGCCAGCCC[G>A]GTTGTAGGCCTTGATGAGCAGGCCAGCTGAGTTGTACTCAAAGATATCACCGCCCCGCTG-3'
Protein context (NP_001092286.2, residues 2273-2293): SAGLLIKAYN[Arg2283Trp]AGSWSVRYRY

ClinVar aggregate classification (germline): Uncertain significance (1 of 4 stars; one submission).

Conditions:
TENM4-related disorder. Also called: TENM4-related condition.

Submission:

PreventionGenetics, part of Exact Sciences
Classification: Uncertain significance for TENM4-related condition. Last evaluated: 2025-06-19. Review status: criteria provided, single submitter. Criteria: ACMG Guidelines, 2015. Collection method: clinical testing. Allele origin: germline.
Comment: The TENM4 c.6847C>T variant is predicted to result in the amino acid substitution p.Arg2283Trp. To our knowledge, this variant has not been reported in the literature. This variant is reported in 0.0065% of alleles in individuals of South Asian descent in gnomAD. At this time, the clinical significance of this variant is uncertain due to the absence of conclusive functional and genetic evidence.